The following is an entry in ClinVar:

NM_199420.4(POLQ):c.6853T>C (p.Tyr2285His)

Gene: POLQ (DNA polymerase theta; minus strand). Cytogenetic location: 3q13.33.
Variant type: single nucleotide variant.
Coding change: c.6853T>C on transcript NM_199420.4 (MANE Select); coding-DNA position 6853, T replaced by C.
Protein change: p.Tyr2285His; replaces tyrosine 2285 with histidine.
Molecular consequence: missense variant.
Genome position (GRCh38, 1-based): chr3:121,467,633, A>G on the plus strand (T>C on the coding strand, the complement: POLQ is on the minus strand). VCF-style: chr3-121467633-A-G. GRCh37 (hg19) VCF-style: chr3-121186480-A-G.
Other names: short protein forms Y2285H.
Identifiers: ClinVar variation 1755807 (VCV001755807.2), dbSNP rs1168686295, ClinGen allele CA354110862.

ClinVar aggregate classification (germline): Uncertain significance (1 of 4 stars; one submission).

Allele frequency attached by ClinVar (database versions not stated): gnomAD exomes below 0.00001.
gnomAD v4.1: 2 of 1,613,630 alleles (0.00012%); highest among the groups gnomAD compares: Admixed American, 0.0033%; no homozygotes.

Submission:

Ambry Genetics
Classification: Uncertain significance. Last evaluated: 2022-04-07. Review status: criteria provided, single submitter. Criteria: Ambry Variant Classification Scheme 2023. Collection method: clinical testing. Allele origin: germline.
Comment: The p.Y2285H variant (also known as c.6853T>C), located in coding exon 24 of the POLQ gene, results from a T to C substitution at nucleotide position 6853. The tyrosine at codon 2285 is replaced by histidine, an amino acid with similar properties. This amino acid position is conserved. In addition, this alteration is predicted to be tolerated by in silico analysis. Since supporting evidence is limited at this time, the clinical significance of this alteration remains unclear.